The following is an entry in ClinVar:

ClinVar aggregate classification (germline): Benign. Review status: criteria provided, multiple submitters, no conflicts (2 of 4 stars). 2 submissions from 2 submitters: Benign (2). Last evaluated 2016-03-29.

Allele frequency attached by ClinVar (database versions not stated): gnomAD exomes 0.03412 and 0.04233; ExAC 0.05620; gnomAD 0.10898 and 0.11539; ESP Exome Variant Server 0.11555; 1000 Genomes Project 0.11941; TOPMed 0.12381; 1000 Genomes Project 30x 0.12726.
gnomAD v4.1: 66,896 of 1,600,364 alleles (4.2%); highest among the groups gnomAD compares: African/African-American, 32%; 4,711 homozygotes.

Submissions (2):

Laboratory for Molecular Medicine, Mass General Brigham Personalized Medicine
Classification: Benign. Last evaluated: 2016-03-29. Review status: criteria provided, single submitter. Criteria: LMM Criteria. Collection method: clinical testing. Allele origin: germline.
Comment: Variant identified in a genome or exome case(s) and assessed due to predicted null impact of the variant or pathogenic assertions in the literature or databases. Disclaimer: This variant has not undergone full assessment. The following are preliminary notes: Frequency

Breakthrough Genomics
Classification: Benign. Review status: criteria provided, single submitter. Criteria: ACMG Guidelines, 2015. Collection method: not provided. Allele origin: germline. Inheritance: Autosomal recessive inheritance. Affected: yes.

NM_001372106.1(DNAH10):c.9815+9C>T

Gene: DNAH10 (dynein axonemal heavy chain 10; plus strand). Cytogenetic location: 12q24.31.
Variant type: single nucleotide variant.
Coding change: c.9815+9C>T on transcript NM_001372106.1 (MANE Select); 9 bases into the intron after coding-DNA position 9815, C replaced by T.
Molecular consequence: intron variant.
Genome position (GRCh38, 1-based): chr12:123,903,122, C>T. VCF-style: chr12-123903122-C-T. GRCh37 (hg19) VCF-style: chr12-124387669-C-T.
Other names: c.9461+9C>T (NM_207437.3).
Identifiers: ClinVar variation 402623 (VCV000402623.5), dbSNP rs75558206, ClinGen allele CA6865188.
Genomic context (GRCh38, chr12:123,903,122, plus strand): 5'-CCGCCAAGCTGGAACTGCAGAAGCTGGACAAGTCGGACGTGACTGAGATTAGGTAATGCA[C>T]CTGAGCCACCATTCTGGGCTTCCATTCCACCTCTGCAAGCCAGTAGTCTCCATGATCGTG-3'